The following is an entry in ClinVar:

NM_024642.5(GALNT12):c.542-4C>T

Gene: GALNT12 (polypeptide N-acetylgalactosaminyltransferase 12; plus strand). Cytogenetic location: 9q22.33.
Variant type: single nucleotide variant.
Coding change: c.542-4C>T on transcript NM_024642.5 (MANE Select); 4 bases into the intron before coding-DNA position 542, C replaced by T.
Molecular consequence: intron variant.
Genome position (GRCh38, 1-based): chr9:98,826,748, C>T. VCF-style: chr9-98826748-C-T. GRCh37 (hg19) VCF-style: chr9-101589030-C-T.
Identifiers: ClinVar variation 825723 (VCV000825723.13), dbSNP rs754152767, ClinGen allele CA5153984.

ClinVar aggregate classification (germline): Likely benign. Review status: criteria provided, multiple submitters, no conflicts (2 of 4 stars). 3 submissions from 3 submitters: Likely benign (3). Last evaluated 2026-04-21.

Conditions:
Colorectal cancer, susceptibility to, 1. Also called: COLORECTAL ADENOMA AND CANCER, SUSCEPTIBILITY TO; COLORECTAL CANCER, SUSCEPTIBILITY TO, ON CHROMOSOME 9. Identifiers: MedGen C1837315, MONDO:0012132, OMIM 608812.

Allele frequency attached by ClinVar (database versions not stated): TOPMed 0.00001; gnomAD exomes 0.00002; ExAC 0.00002.
gnomAD v4.1: 8 of 1,610,578 alleles (0.0005%); highest among the groups gnomAD compares: East Asian, 0.0022%; no homozygotes.

Submissions (3):

Myriad Genetics, Inc.
Classification: Likely benign for Colorectal cancer, susceptibility to, 1. Last evaluated: 2026-04-21. Review status: criteria provided, single submitter. Criteria: Myriad Autosomal Dominant, Autosomal Recessive and X-Linked Classification Criteria (2023). Collection method: clinical testing. Allele origin: unknown.
Comment: This variant is considered likely benign. This variant is intronic and is not expected to impact mRNA splicing.

Ambry Genetics
Classification: Likely benign. Last evaluated: 2023-12-28. Review status: criteria provided, single submitter. Criteria: Ambry Variant Classification Scheme 2023. Collection method: clinical testing. Allele origin: germline.

Labcorp Genetics (formerly Invitae), Labcorp
Classification: Likely benign. Last evaluated: 2023-10-29. Review status: criteria provided, single submitter. Criteria: Invitae Variant Classification Sherloc (09022015). Collection method: clinical testing. Allele origin: germline.